The following is an entry in ClinVar:

NM_007315.4(STAT1):c.1175T>C (p.Met392Thr)

Gene: STAT1 (signal transducer and activator of transcription 1; minus strand). Cytogenetic location: 2q32.2.
Variant type: single nucleotide variant.
Coding change: c.1175T>C on transcript NM_007315.4 (MANE Select); coding-DNA position 1175, T replaced by C.
Protein change: p.Met392Thr; replaces methionine 392 with threonine.
Molecular consequence: missense variant.
Genome position (GRCh38, 1-based): chr2:190,986,900, A>G on the plus strand (T>C on the coding strand, the complement: STAT1 is on the minus strand). VCF-style: chr2-190986900-A-G. GRCh37 (hg19) VCF-style: chr2-191851626-A-G.
Other names: c.1115T>C, p.Met372Thr (NM_001384880.1); c.1181T>C, p.Met394Thr (NM_001384881.1, NM_001384884.1); c.1169T>C, p.Met390Thr (NM_001384882.1); c.1076T>C, p.Met359Thr (NM_001384883.1); c.1016T>C, p.Met339Thr (NM_001384885.1); c.1175T>C, p.Met392Thr (NM_001384886.1, NM_001384889.1, NM_139266.3); c.1082T>C, p.Met361Thr (NM_001384887.1); c.1145T>C, p.Met382Thr (NM_001384888.1); and 2 more; short protein forms M339T, M359T, M361T, M362T, M372T, M382T, M390T, M392T.
Identifiers: ClinVar variation 3345636 (VCV003345636.1).

ClinVar aggregate classification (germline): Likely pathogenic (0 of 4 stars; one submission).

Conditions:
STAT1-related disorder. Also called: STAT1-related condition.

Submission:

PreventionGenetics, part of Exact Sciences
Classification: Likely pathogenic for STAT1-related condition. Last evaluated: 2024-07-25. Review status: no assertion criteria provided. Collection method: clinical testing. Allele origin: germline.
Comment: The STAT1 c.1175T>C variant is predicted to result in the amino acid substitution p.Met392Thr. This variant has been reported in multiple individuals with chronic mucocutaneous candidiasis, showing autosomal dominant inheritance in some families and to be de novo in others (Table S1, Toubiana et al. 2016. PubMed ID: 27114460; Frede et al. 2021. PubMed ID: 34390440; Wang et al. 2023. PubMed ID: 36335528). Elevated serum IFN-alpha has been reported in heterozygous individuals, which has been associated with STAT1 gain-of-function (GOF) mutations (Wang et al. 2023. PubMed ID: 36335528; Toubiana et al. 2016. PubMed ID: 27114460). This variant has not been reported in a large population database, indicating this variant is rare. This variant is interpreted as likely pathogenic.